The following is an entry in ClinVar:

NM_052854.4(CREB3L1):c.521C>T (p.Pro174Leu)

Gene: CREB3L1 (cAMP responsive element binding protein 3 like 1; plus strand). Cytogenetic location: 11p11.2.
Variant type: single nucleotide variant.
Coding change: c.521C>T on transcript NM_052854.4 (MANE Select); coding-DNA position 521, C replaced by T.
Protein change: p.Pro174Leu; replaces proline 174 with leucine.
Molecular consequence: missense variant.
Genome position (GRCh38, 1-based): chr11:46,309,993, C>T. VCF-style: chr11-46309993-C-T. GRCh37 (hg19) VCF-style: chr11-46331544-C-T.
Other names: c.521C>T (NM_052854.2); short protein forms P174L.
Identifiers: ClinVar variation 1407134 (VCV001407134.7), dbSNP rs187182284, ClinGen allele CA5961613.
Genomic context (GRCh38, chr11:46,309,993, plus strand): 5'-CATGGTGGGGACAGACCCAGGGGCAGCTAATGGAGCTGGGCTTGTCTGTTCCTCAGGCCC[C>T]GGGAGAGATGACTCAGCTGCCAGTGATCAAAGCAGAGCCTCTGGAGGTGAACCAGTTCCT-3'
Protein context (NP_443086.1, residues 164-184): LSRLPIPHQA[Pro174Leu]GEMTQLPVIK

ClinVar aggregate classification (germline): Uncertain significance. Review status: criteria provided, multiple submitters, no conflicts (2 of 4 stars). 2 submissions from 2 submitters: Uncertain significance (2). Last evaluated 2025-09-28.

Conditions:
Inborn genetic diseases. Identifiers: MedGen C0950123, MeSH D030342.

Allele frequency attached by ClinVar (database versions not stated): gnomAD 0.00004 and 0.00003; 1000 Genomes Project 30x 0.00031; 1000 Genomes Project 0.00040; ESP Exome Variant Server 0.00008; ExAC 0.00010; TOPMed 0.00001; gnomAD exomes 0.00006.
gnomAD v4.1: 36 of 1,599,258 alleles (0.0023%); highest among the groups gnomAD compares: Admixed American, 0.0052%; no homozygotes.

Submissions (2):

Ambry Genetics
Classification: Uncertain significance for Inborn genetic diseases. Last evaluated: 2025-09-28. Review status: criteria provided, single submitter. Criteria: Ambry Variant Classification Scheme 2023. Collection method: clinical testing. Allele origin: germline.

Labcorp Genetics (formerly Invitae), Labcorp
Classification: Uncertain significance. Last evaluated: 2023-10-22. Review status: criteria provided, single submitter. Criteria: Invitae Variant Classification Sherloc (09022015). Collection method: clinical testing. Allele origin: germline.
Comment: This sequence change replaces proline, which is neutral and non-polar, with leucine, which is neutral and non-polar, at codon 174 of the CREB3L1 protein (p.Pro174Leu). This variant is present in population databases (rs187182284, gnomAD 0.01%). This variant has not been reported in the literature in individuals affected with CREB3L1-related conditions. ClinVar contains an entry for this variant (Variation ID: 1407134). An algorithm developed to predict the effect of missense changes on protein structure and function (PolyPhen-2) suggests that this variant is likely to be disruptive. In summary, the available evidence is currently insufficient to determine the role of this variant in disease. Therefore, it has been classified as a Variant of Uncertain Significance.